The following is an entry in ClinVar:

ClinVar aggregate classification (germline): Uncertain significance (1 of 4 stars; one submission).

Conditions:
Cardiomyopathy (CMYO). Also called: Cardiomyopathies. Identifiers: Orphanet 167848, MedGen C0878544, MONDO:0004994, HP:0001638. Inheritance: Various modes of inheritance.

gnomAD v4.1: 8 of 1,259,018 alleles (0.00064%); highest among the groups gnomAD compares: Non-Finnish European, 0.0008%; no homozygotes.

Submission:

Color Diagnostics, LLC DBA Color Health
Classification: Uncertain significance for Cardiomyopathy. Last evaluated: 2025-10-12. Review status: criteria provided, single submitter. Criteria: ACMG Guidelines, 2015. Collection method: clinical testing. Allele origin: germline.
Comment: This missense variant replaces glutamic acid with lysine at codon 6 of the RYR2 protein. Computational prediction suggests that this variant may not impact protein structure and function. To our knowledge, functional studies have not been reported for this variant. This variant has not been reported in individuals affected with RYR2-related disorders in the literature. This variant has been identified in 8/1259018 chromosomes in the general population by the Genome Aggregation Database (gnomAD). The available evidence is insufficient to determine the role of this variant in disease conclusively. Therefore, this variant is classified as a Variant of Uncertain Significance.

NM_001035.3(RYR2):c.16G>A (p.Glu6Lys)

Gene: RYR2 (ryanodine receptor 2; plus strand). Cytogenetic location: 1q43.
Variant type: single nucleotide variant.
Coding change: c.16G>A on transcript NM_001035.3 (MANE Select); coding-DNA position 16, G replaced by A.
Protein change: p.Glu6Lys; replaces glutamic acid 6 with lysine.
Molecular consequence: missense variant.
Genome position (GRCh38, 1-based): chr1:237,042,537, G>A. VCF-style: chr1-237042537-G-A. GRCh37 (hg19) VCF-style: chr1-237205837-G-A.
Other names: short protein forms E6K.
Identifiers: ClinVar variation 4758234 (VCV004758234.1).